The following is an entry in ClinVar:

ClinVar aggregate classification (germline): Uncertain significance. Review status: criteria provided, multiple submitters, no conflicts (2 of 4 stars). 2 submissions from 2 submitters: Uncertain significance (2). Last evaluated 2024-02-09.

Conditions:
Kabuki syndrome 2 (KABUK2). Also called: KDM6A-Related Kabuki Syndrome. Identifiers: Orphanet 2322, MedGen C3275495, MONDO:0010465, OMIM 300867.

Allele frequency attached by ClinVar (database versions not stated): TOPMed below 0.00001; gnomAD 0.00001; gnomAD exomes 0.00001.
gnomAD v4.1: 5 of 1,210,103 alleles (0.00041%); highest among the groups gnomAD compares: Admixed American, 0.0065%; no homozygotes.

Submissions (2):

Fulgent Genetics
Classification: Uncertain significance for Kabuki syndrome 2. Last evaluated: 2024-02-09. Review status: criteria provided, single submitter. Criteria: ACMG Guidelines, 2015. Collection method: clinical testing. Allele origin: germline.

Labcorp Genetics (formerly Invitae), Labcorp
Classification: Uncertain significance for Kabuki syndrome 2. Last evaluated: 2023-06-30. Review status: criteria provided, single submitter. Criteria: Invitae Variant Classification Sherloc (09022015). Collection method: clinical testing. Allele origin: germline.
Comment: This sequence change replaces methionine, which is neutral and non-polar, with threonine, which is neutral and polar, at codon 785 of the KDM6A protein (p.Met785Thr). This variant is present in population databases (no rsID available, gnomAD 0.004%). This variant has not been reported in the literature in individuals affected with KDM6A-related conditions. ClinVar contains an entry for this variant (Variation ID: 2039582). Advanced modeling of protein sequence and biophysical properties (such as structural, functional, and spatial information, amino acid conservation, physicochemical variation, residue mobility, and thermodynamic stability) performed at Invitae indicates that this missense variant is not expected to disrupt KDM6A protein function. In summary, the available evidence is currently insufficient to determine the role of this variant in disease. Therefore, it has been classified as a Variant of Uncertain Significance.

NM_001291415.2(KDM6A):c.2510T>C (p.Met837Thr)

Gene: KDM6A (lysine demethylase 6A; plus strand). Cytogenetic location: Xp11.3.
Variant type: single nucleotide variant.
Coding change: c.2510T>C on transcript NM_001291415.2 (MANE Select); coding-DNA position 2510, T replaced by C.
Protein change: p.Met837Thr; replaces methionine 837 with threonine.
Molecular consequence: missense variant. On other transcripts: non-coding transcript variant (1).
Genome position (GRCh38, 1-based): chrX:45,070,009, T>C. VCF-style: chrX-45070009-T-C. GRCh37 (hg19) VCF-style: chrX-44929254-T-C.
Other names: c.2375T>C, p.Met792Thr (NM_001291416.2); c.2219T>C, p.Met740Thr (NM_001291417.2); c.2117T>C, p.Met706Thr (NM_001291418.2); c.1466T>C, p.Met489Thr (NM_001291421.2); c.2252T>C, p.Met751Thr (NM_001410742.1); c.2354T>C, p.Met785Thr (NM_021140.4); c.2354T>C (NM_021140.3); short protein forms M792T, M837T, M740T, M751T, M785T, M489T, M706T.
Identifiers: ClinVar variation 2039582 (VCV002039582.5), dbSNP rs1167845073, ClinGen allele CA412794682.